The following is an entry in ClinVar:

NM_006231.4(POLE):c.3131A>G (p.Glu1044Gly)

Gene: POLE (DNA polymerase epsilon, catalytic subunit; minus strand). Cytogenetic location: 12q24.33.
Variant type: single nucleotide variant.
Coding change: c.3131A>G on transcript NM_006231.4 (MANE Select); coding-DNA position 3131, A replaced by G.
Protein change: p.Glu1044Gly; replaces glutamic acid 1044 with glycine.
Molecular consequence: missense variant.
Genome position (GRCh38, 1-based): chr12:132,659,439, T>C on the plus strand (A>G on the coding strand, the complement: POLE is on the minus strand). VCF-style: chr12-132659439-T-C. GRCh37 (hg19) VCF-style: chr12-133236025-T-C.
Other names: short protein forms E1044G.
Identifiers: ClinVar variation 942618 (VCV000942618.9), dbSNP rs2042630601, ClinGen allele CA387391058.
Genomic context (GRCh38, chr12:132,659,439, plus strand): 5'-AGGAACTCGGCCAGGCGCTTTGCTGTGCTGATGGACGTAGACTTCTGCTCCCCGTAATCT[T>C]CCAGCTTCCGAGACATGGAACGGTTCTCAGAGATGAGCTCGAATAGCTCAGAGTCAGGCA-3'
Protein context (NP_006222.2, residues 1034-1054): SENRSMSRKL[Glu1044Gly]DYGEQKSTSI

ClinVar aggregate classification (germline): Uncertain significance (1 of 4 stars; one submission).

Allele frequency attached by ClinVar (database versions not stated): gnomAD exomes below 0.00001.
gnomAD v4.1: 1 of 1,614,242 alleles (0.000062%); highest among the groups gnomAD compares: Non-Finnish European, 0.000085%; no homozygotes.

Submission:

Labcorp Genetics (formerly Invitae), Labcorp
Classification: Uncertain significance. Last evaluated: 2026-01-05. Review status: criteria provided, single submitter. Criteria: Invitae Variant Classification Sherloc (09022015). Collection method: clinical testing. Allele origin: germline.
Comment: This sequence change replaces glutamic acid, which is acidic and polar, with glycine, which is neutral and non-polar, at codon 1044 of the POLE protein (p.Glu1044Gly). This variant is not present in population databases (gnomAD no frequency). This variant has not been reported in the literature in individuals affected with POLE-related conditions. ClinVar contains an entry for this variant (Variation ID: 942618). Invitae Evidence Modeling of protein sequence and biophysical properties (such as structural, functional, and spatial information, amino acid conservation, physicochemical variation, residue mobility, and thermodynamic stability) indicates that this missense variant is expected to disrupt POLE protein function with a positive predictive value of 80%. In summary, the available evidence is currently insufficient to determine the role of this variant in disease. Therefore, it has been classified as a Variant of Uncertain Significance.